The following is an entry in ClinVar:

NM_001257291.2(SLC9A7):c.1230C>G (p.Thr410=)

Gene: SLC9A7 (solute carrier family 9 member A7; minus strand). Cytogenetic location: Xp11.3.
Variant type: single nucleotide variant.
Coding change: c.1230C>G on transcript NM_001257291.2 (MANE Select); coding-DNA position 1230, C replaced by G.
Protein change: p.Thr410=; no amino-acid change (threonine 410 retained).
Molecular consequence: synonymous variant.
Genome position (GRCh38, 1-based): chrX:46,651,322, G>C on the plus strand (C>G on the coding strand, the complement: SLC9A7 is on the minus strand). VCF-style: chrX-46651322-G-C. GRCh37 (hg19) VCF-style: chrX-46510757-G-C.
Other names: c.1227C>G, p.Thr409= (NM_032591.3).
Identifiers: ClinVar variation 1299184 (VCV001299184.36), dbSNP rs768463358, ClinGen allele CA10393913.

ClinVar aggregate classification (germline): Likely benign. Review status: criteria provided, multiple submitters, no conflicts (2 of 4 stars). 2 submissions from 2 submitters: Likely benign (2). Last evaluated 2024-08-01.

Allele frequency attached by ClinVar (database versions not stated): TOPMed below 0.00001; gnomAD 0.00001; gnomAD exomes 0.00002; ExAC 0.00003.
gnomAD v4.1: 29 of 1,205,364 alleles (0.0024%); highest among the groups gnomAD compares: Non-Finnish European, 0.003%; no homozygotes.

Submissions (2):

CeGaT Center for Human Genetics Tuebingen
Classification: Likely benign. Last evaluated: 2024-08-01. Review status: criteria provided, single submitter. Criteria: CeGaT Center For Human Genetics Tuebingen Variant Classification Criteria Version 2. Collection method: clinical testing. Allele origin: germline. Affected: yes. Observed: 2 variant alleles.
Comment: SLC9A7: BP4, BP7, BS2

Blueprint Genetics
Classification: Likely benign. Last evaluated: 2020-08-07. Review status: criteria provided, single submitter. Criteria: ACMG Guidelines, 2015. Collection method: clinical testing. Allele origin: germline.